The following is an entry in ClinVar:

ClinVar aggregate classification (germline): Uncertain significance. Review status: criteria provided, multiple submitters, no conflicts (2 of 4 stars). 2 submissions from 2 submitters: Uncertain significance (2). Last evaluated 2026-07-14.

Conditions:
Juvenile polyposis syndrome (JPS). Identifiers: Orphanet 2929, MedGen C0345893, MONDO:0017380, OMIM 174900.
Hereditary cancer-predisposing syndrome. Also called: Neoplastic Syndromes, Hereditary; Hereditary Cancer Syndrome; Hereditary neoplastic syndrome; Tumor predisposition. Identifiers: Orphanet 140162, MedGen C0027672, MeSH D009386, MONDO:0015356.

Submissions (2):

Ambry Genetics
Classification: Uncertain significance for Hereditary cancer-predisposing syndrome. Last evaluated: 2026-07-14. Review status: criteria provided, single submitter. Criteria: Ambry Variant Classification Scheme 2023. Collection method: clinical testing. Allele origin: germline.
Comment: The p.W438L variant (also known as c.1313G>T), located in coding exon 9 of the BMPR1A gene, results from a G to T substitution at nucleotide position 1313. The tryptophan at codon 438 is replaced by leucine, an amino acid with similar properties. This variant was reported in individual(s) with features consistent with BMPR1A-related juvenile polyposis syndrome (Ambry internal data). This amino acid position is highly conserved in available vertebrate species. In addition, this alteration is predicted to be deleterious by in silico analysis. Based on the available evidence, the clinical significance of this variant remains unclear.

Labcorp Genetics (formerly Invitae), Labcorp
Classification: Uncertain significance for Juvenile polyposis syndrome. Last evaluated: 2018-08-08. Review status: criteria provided, single submitter. Criteria: Invitae Variant Classification Sherloc (09022015). Collection method: clinical testing. Allele origin: germline.
Comment: This sequence change replaces tryptophan with leucine at codon 438 of the BMPR1A protein (p.Trp438Leu). The tryptophan residue is highly conserved and there is a small physicochemical difference between tryptophan and leucine. This variant is not present in population databases (ExAC no frequency). This variant has not been reported in the literature in individuals with BMPR1A-related disease. Algorithms developed to predict the effect of missense changes on protein structure and function (SIFT, PolyPhen-2, Align-GVGD) all suggest that this variant is likely to be disruptive, but these predictions have not been confirmed by published functional studies and their clinical significance is uncertain. In summary, the available evidence is currently insufficient to determine the role of this variant in disease. Therefore, it has been classified as a Variant of Uncertain Significance.

NM_004329.3(BMPR1A):c.1313G>T (p.Trp438Leu)

Gene: BMPR1A (bone morphogenetic protein receptor type 1A; plus strand). Cytogenetic location: 10q23.2.
Variant type: single nucleotide variant.
Coding change: c.1313G>T on transcript NM_004329.3 (MANE Select); coding-DNA position 1313, G replaced by T.
Protein change: p.Trp438Leu; replaces tryptophan 438 with leucine.
Molecular consequence: missense variant.
Genome position (GRCh38, 1-based): chr10:86,921,666, G>T. VCF-style: chr10-86921666-G-T. GRCh37 (hg19) VCF-style: chr10-88681423-G-T.
Other names: short protein forms W438L.
Identifiers: ClinVar variation 660924 (VCV000660924.12), dbSNP rs1589292704, ClinGen allele CA377462368.